The following is an entry in ClinVar:

ClinVar aggregate classification (germline): Uncertain significance. Review status: criteria provided, multiple submitters, no conflicts (2 of 4 stars). 3 submissions from 3 submitters: Uncertain significance (3). Last evaluated 2024-11-14.

Conditions:
Inborn genetic diseases. Identifiers: MedGen C0950123, MeSH D030342.

Allele frequency attached by ClinVar (database versions not stated): ExAC 0.00002; gnomAD exomes 0.00002 and 0.00004; gnomAD 0.00003; TOPMed 0.00003.
gnomAD v4.1: 62 of 1,614,110 alleles (0.0038%); highest among the groups gnomAD compares: Middle Eastern, 0.033%; no homozygotes.

Submissions (3):

Blueprint Genetics
Classification: Uncertain significance. Last evaluated: 2024-11-14. Review status: criteria provided, single submitter. Criteria: ACMG Guidelines, 2015. Collection method: clinical testing. Allele origin: germline.

Ambry Genetics
Classification: Uncertain significance for Inborn genetic diseases. Last evaluated: 2024-11-07. Review status: criteria provided, single submitter. Criteria: Ambry Variant Classification Scheme 2023. Collection method: clinical testing. Allele origin: germline.

Labcorp Genetics (formerly Invitae), Labcorp
Classification: Uncertain significance. Last evaluated: 2022-08-19. Review status: criteria provided, single submitter. Criteria: Invitae Variant Classification Sherloc (09022015). Collection method: clinical testing. Allele origin: germline.
Comment: This sequence change replaces glutamine, which is neutral and polar, with histidine, which is basic and polar, at codon 307 of the EXTL3 protein (p.Gln307His). This variant is present in population databases (rs757011891, gnomAD 0.003%). This variant has not been reported in the literature in individuals affected with EXTL3-related conditions. ClinVar contains an entry for this variant (Variation ID: 1468049). Algorithms developed to predict the effect of missense changes on protein structure and function are either unavailable or do not agree on the potential impact of this missense change (SIFT: "Deleterious"; PolyPhen-2: "Benign"; Align-GVGD: "Class C0"). In summary, the available evidence is currently insufficient to determine the role of this variant in disease. Therefore, it has been classified as a Variant of Uncertain Significance.

NM_001440.4(EXTL3):c.921G>T (p.Gln307His)

Gene: EXTL3 (exostosin like glycosyltransferase 3; plus strand). Cytogenetic location: 8p21.1.
Variant type: single nucleotide variant.
Coding change: c.921G>T on transcript NM_001440.4 (MANE Select); coding-DNA position 921, G replaced by T.
Protein change: p.Gln307His; replaces glutamine 307 with histidine.
Molecular consequence: missense variant.
Genome position (GRCh38, 1-based): chr8:28,716,980, G>T. VCF-style: chr8-28716980-G-T. GRCh37 (hg19) VCF-style: chr8-28574497-G-T.
Other names: c.921G>T (NM_001440.2); short protein forms Q307H.
Identifiers: ClinVar variation 1468049 (VCV001468049.5), dbSNP rs757011891, ClinGen allele CA4696091.